The following is an entry in ClinVar:

ClinVar aggregate classification (germline): Likely pathogenic (1 of 4 stars; one submission).

Conditions:
Senior-Loken syndrome 6 (SLSN6). Identifiers: Orphanet 3156, MedGen C1857779, MONDO:0012433, OMIM 610189.
Meckel syndrome, type 4 (MKS4). Also called: MECKEL-GRUBER SYNDROME, TYPE 4. Identifiers: Orphanet 564, MedGen C1970161, MONDO:0012626, OMIM 611134.
Joubert syndrome 5 (JBTS5). Identifiers: Orphanet 2318, MedGen C1857780, MONDO:0012432, OMIM 610188.
Bardet-Biedl syndrome 14 (BBS14). Identifiers: Orphanet 110, MedGen C2673874, MONDO:0014442, OMIM 615991.
Leber congenital amaurosis 10 (LCA10). Identifiers: Orphanet 65, MedGen C1857821, MONDO:0012723, OMIM 611755.

Submission:

Juno Genomics, Hangzhou Juno Genomics, Inc
Classification: Likely pathogenic for Bardet-Biedl syndrome 14; Joubert syndrome 5; Leber congenital amaurosis 10; Meckel syndrome, type 4; Senior-Loken syndrome 6. Review status: criteria provided, single submitter. Criteria: ACMG Guidelines, 2015. Collection method: clinical testing. Allele origin: germline.
Comment: Null variant in a gene where loss of function (LOF) is a known mechanism of disease.;Absent from controls (or at extremely low frequency if recessive) in Genome Aggregation Database.

NM_025114.4(CEP290):c.274del (p.Val91_Met92insTer)

Gene: CEP290 (centrosomal protein 290; minus strand). Cytogenetic location: 12q21.32.
Variant type: Deletion.
Coding change: c.274del on transcript NM_025114.4 (MANE Select); coding-DNA position 274, one base deleted (A; older notation c.274delA).
Protein change: p.Val91_Met92insTer.
Molecular consequence: nonsense.
Genome position (GRCh38, 1-based): chr12:88,139,168, T deleted on the plus strand (A on the coding strand, the reverse complement: CEP290 is on the minus strand); the first of 2 consecutive T bases (chr12:88,139,168-88,139,169); deleting either gives the same sequence. VCF-style (leftmost placement, unchanged base first): chr12-88139167-AT-A. GRCh37 (hg19) VCF-style: chr12-88532944-AT-A.
Identifiers: ClinVar variation 5005201 (VCV005005201.2).